The following is an entry in ClinVar:

NM_153240.5(NPHP3):c.2783A>G (p.Gln928Arg)

Genes: NPHP3 (nephrocystin 3; minus strand), NPHP3-ACAD11 (NPHP3-ACAD11 readthrough (NMD candidate); minus strand). Cytogenetic location: 3q22.1.
Variant type: single nucleotide variant.
Coding change: c.2783A>G on transcript NM_153240.5 (MANE Select); coding-DNA position 2783, A replaced by G.
Protein change: p.Gln928Arg; replaces glutamine 928 with arginine.
Molecular consequence: missense variant. On other transcripts: non-coding transcript variant (1).
Genome position (GRCh38, 1-based): chr3:132,689,174, T>C on the plus strand (A>G on the coding strand, the complement: NPHP3 is on the minus strand). VCF-style: chr3-132689174-T-C. GRCh37 (hg19) VCF-style: chr3-132408018-T-C.
Other names: short protein forms Q928R.
Identifiers: ClinVar variation 343383 (VCV000343383.13), dbSNP rs751790371, ClinGen allele CA2621927.

ClinVar aggregate classification (germline): Uncertain significance. Review status: criteria provided, multiple submitters, no conflicts (2 of 4 stars). 7 submissions from 5 submitters: Uncertain significance (7). Last evaluated 2025-09-23.

Conditions:
Nephronophthisis. Also called: Juvenile Nephronophthisis. Identifiers: Orphanet 655, MedGen C0687120, MONDO:0019005, HP:0000090.
Renal-hepatic-pancreatic dysplasia 1 (RHPD1). Identifiers: MedGen C3715199, MONDO:0008833, OMIM 208540.
NPHP3-related Meckel-like syndrome. Also called: Meckel syndrome type 7; GOLDSTON SYNDROME. Identifiers: Orphanet 3032, MedGen C2673885, MONDO:0009966, OMIM 267010.
NPHP3-related disorder. Also called: NPHP3-related disorders; NPHP3-related condition. Identifiers: MedGen CN379163.
Nephronophthisis 3 (NPHP3). Also called: Adolescent nephronophthisis. Identifiers: Orphanet 655, MedGen C1858392, MONDO:0011456, OMIM 604387.
Inborn genetic diseases. Identifiers: MedGen C0950123, MeSH D030342.

Allele frequency attached by ClinVar (database versions not stated): ExAC 0.00002; TOPMed 0.00006.
gnomAD v4.1: 23 of 1,614,066 alleles (0.0014%); highest among the groups gnomAD compares: Admixed American, 0.013%; no homozygotes.

Submissions (7):

PreventionGenetics, part of Exact Sciences
Classification: Uncertain significance for NPHP3-related condition. Last evaluated: 2025-09-23. Review status: criteria provided, single submitter. Criteria: ACMG Guidelines, 2015. Collection method: clinical testing. Allele origin: germline.
Comment: The NPHP3 c.2783A>G variant is predicted to result in the amino acid substitution p.Gln928Arg. To our knowledge, this variant has not been reported in the literature. This variant is reported in 0.017% of alleles in individuals of Latino descent in gnomAD. At this time, the clinical significance of this variant is uncertain due to the absence of conclusive functional and genetic evidence.

Ambry Genetics
Classification: Uncertain significance for Inborn genetic diseases. Last evaluated: 2025-04-12. Review status: criteria provided, single submitter. Criteria: Ambry Variant Classification Scheme 2023. Collection method: clinical testing. Allele origin: germline.

Fulgent Genetics
Classification: Uncertain significance for Renal-hepatic-pancreatic dysplasia 1; NPHP3-related Meckel-like syndrome; Nephronophthisis 3. Last evaluated: 2024-05-21. Review status: criteria provided, single submitter. Criteria: ACMG Guidelines, 2015. Collection method: clinical testing. Allele origin: germline.

Labcorp Genetics (formerly Invitae), Labcorp
Classification: Uncertain significance for Nephronophthisis. Last evaluated: 2022-09-06. Review status: criteria provided, single submitter. Criteria: Invitae Variant Classification Sherloc (09022015). Collection method: clinical testing. Allele origin: germline.
Comment: This sequence change replaces glutamine, which is neutral and polar, with arginine, which is basic and polar, at codon 928 of the NPHP3 protein (p.Gln928Arg). This variant is present in population databases (rs751790371, gnomAD 0.02%). This variant has not been reported in the literature in individuals affected with NPHP3-related conditions. ClinVar contains an entry for this variant (Variation ID: 343383). Algorithms developed to predict the effect of missense changes on protein structure and function output the following: SIFT: "Tolerated"; PolyPhen-2: "Benign"; Align-GVGD: "Class C0". The arginine amino acid residue is found in multiple mammalian species, which suggests that this missense change does not adversely affect protein function. Algorithms developed to predict the effect of sequence changes on RNA splicing suggest that this variant may create or strengthen a splice site. In summary, the available evidence is currently insufficient to determine the role of this variant in disease. Therefore, it has been classified as a Variant of Uncertain Significance.

Illumina Laboratory Services, Illumina
Classification: Uncertain significance for Nephronophthisis 3. Last evaluated: 2018-01-13. Review status: criteria provided, single submitter. Criteria: ICSL Variant Classification Criteria 13 December 2019. Collection method: clinical testing. Allele origin: germline.

Illumina Laboratory Services, Illumina
Classification: Uncertain significance for NPHP3-related Meckel-like syndrome. Last evaluated: 2018-01-13. Review status: criteria provided, single submitter. Criteria: ICSL Variant Classification Criteria 13 December 2019. Collection method: clinical testing. Allele origin: germline.

Illumina Laboratory Services, Illumina
Classification: Uncertain significance for Renal-hepatic-pancreatic dysplasia 1. Last evaluated: 2018-01-13. Review status: criteria provided, single submitter. Criteria: ICSL Variant Classification Criteria 13 December 2019. Collection method: clinical testing. Allele origin: germline.